The following is an entry in ClinVar:

ClinVar aggregate classification (germline): Uncertain significance (1 of 4 stars; one submission).

Submission:

Labcorp Genetics (formerly Invitae), Labcorp
Classification: Uncertain significance. Last evaluated: 2022-07-15. Review status: criteria provided, single submitter. Criteria: Invitae Variant Classification Sherloc (09022015). Collection method: clinical testing. Allele origin: germline.
Comment: This sequence change falls in intron 6 of the PSMA3 gene. It does not directly change the encoded amino acid sequence of the PSMA3 protein. This variant is not present in population databases (gnomAD no frequency). This variant has not been reported in the literature in individuals affected with PSMA3-related conditions. Algorithms developed to predict the effect of sequence changes on RNA splicing suggest that this variant may create or strengthen a splice site. In summary, the available evidence is currently insufficient to determine the role of this variant in disease. Therefore, it has been classified as a Variant of Uncertain Significance.

NM_002788.4(PSMA3):c.478-17T>G

Gene: PSMA3 (proteasome 20S subunit alpha 3; plus strand). Cytogenetic location: 14q23.1.
Variant type: single nucleotide variant.
Coding change: c.478-17T>G on transcript NM_002788.4 (MANE Select); 17 bases into the intron before coding-DNA position 478, T replaced by G.
Molecular consequence: intron variant.
Genome position (GRCh38, 1-based): chr14:58,263,688, T>G. VCF-style: chr14-58263688-T-G. GRCh37 (hg19) VCF-style: chr14-58730406-T-G.
Other names: c.457-17T>G (NM_152132.3).
Identifiers: ClinVar variation 2017407 (VCV002017407.4), dbSNP rs757565173, ClinGen allele CA2580088263.